The following is an entry in ClinVar:

NM_016373.4(WWOX):c.409+5G>A

Gene: WWOX (WW domain containing oxidoreductase; plus strand). Cytogenetic location: 16q23.1.
Variant type: single nucleotide variant.
Coding change: c.409+5G>A on transcript NM_016373.4 (MANE Select); 5 bases into the intron after coding-DNA position 409, G replaced by A.
Molecular consequence: intron variant.
Genome position (GRCh38, 1-based): chr16:78,115,159, G>A. VCF-style: chr16-78115159-G-A. GRCh37 (hg19) VCF-style: chr16-78149056-G-A.
Other names: c.70+5G>A (NM_001291997.2); c.409+5G>A (NM_130791.5).
Identifiers: ClinVar variation 1416985 (VCV001416985.3), dbSNP rs1305123836, ClinGen allele CA623608418.

ClinVar aggregate classification (germline): Uncertain significance (1 of 4 stars; one submission).

Conditions:
Developmental and epileptic encephalopathy, 1 (DEE1). Also called: X-linked infantile spasms; West's syndrome; Tonic spasms with clustering, arrest of psychomotor development and hypsarrhythmia on EEG; X-Linked Infantile Spasm Syndrome; OHTAHARA SYNDROME, X-LINKED; INFANTILE SPASM SYNDROME, X-LINKED 1. Identifiers: MedGen C3463992, MONDO:0010632, OMIM 308350. Disease mechanism: loss of function.
Autosomal recessive spinocerebellar ataxia 12. Also called: SPINOCEREBELLAR ATAXIA WITH MENTAL RETARDATION AND EPILEPSY. Identifiers: Orphanet 284282, MedGen C3280452, MONDO:0013687, OMIM 614322.

Allele frequency attached by ClinVar (database versions not stated): TOPMed below 0.00001; gnomAD 0.00001; gnomAD exomes below 0.00001.
gnomAD v4.1: 6 of 1,614,024 alleles (0.00037%); highest among the groups gnomAD compares: Non-Finnish European, 0.00051%; no homozygotes.

Submission:

Labcorp Genetics (formerly Invitae), Labcorp
Classification: Uncertain significance for Developmental and epileptic encephalopathy, 1; Autosomal recessive spinocerebellar ataxia 12. Last evaluated: 2022-06-20. Review status: criteria provided, single submitter. Criteria: Invitae Variant Classification Sherloc (09022015). Collection method: clinical testing. Allele origin: germline.
Comment: This sequence change falls in intron 4 of the WWOX gene. It does not directly change the encoded amino acid sequence of the WWOX protein. It affects a nucleotide within the consensus splice site. This variant is present in population databases (no rsID available, gnomAD 0.002%). This variant has not been reported in the literature in individuals affected with WWOX-related conditions. Variants that disrupt the consensus splice site are a relatively common cause of aberrant splicing (PMID: 17576681, 9536098). Algorithms developed to predict the effect of sequence changes on RNA splicing suggest that this variant is not likely to affect RNA splicing. In summary, the available evidence is currently insufficient to determine the role of this variant in disease. Therefore, it has been classified as a Variant of Uncertain Significance.

Literature cited by the submitters: PubMed 17576681; PubMed 9536098.